The following is an entry in ClinVar:

ClinVar aggregate classification (germline): Uncertain significance. Review status: criteria provided, single submitter (1 of 4 stars). 2 submissions from 2 submitters: Uncertain significance (1). 1 of the submissions does not count toward it. Last evaluated 2025-06-12.

Conditions:
ERBB4-related disorder. Also called: ERBB4-related condition.

Allele frequency attached by ClinVar (database versions not stated): ExAC 0.00005.
gnomAD v4.1: 105 of 1,614,012 alleles (0.0065%); highest among the groups gnomAD compares: African/African-American, 0.047%; no homozygotes.

Submissions (2):

Labcorp Genetics (formerly Invitae), Labcorp
Classification: Uncertain significance. Last evaluated: 2025-06-12. Review status: criteria provided, single submitter. Criteria: Invitae Variant Classification Sherloc (09022015). Collection method: clinical testing. Allele origin: germline.
Comment: This sequence change replaces arginine, which is basic and polar, with glutamine, which is neutral and polar, at codon 612 of the ERBB4 protein (p.Arg612Gln). This variant is present in population databases (rs139122290, gnomAD 0.02%). This variant has not been reported in the literature in individuals affected with ERBB4-related conditions. ClinVar contains an entry for this variant (Variation ID: 1991743). Invitae Evidence Modeling of protein sequence and biophysical properties (such as structural, functional, and spatial information, amino acid conservation, physicochemical variation, residue mobility, and thermodynamic stability) indicates that this missense variant is not expected to disrupt ERBB4 protein function with a negative predictive value of 80%. In summary, the available evidence is currently insufficient to determine the role of this variant in disease. Therefore, it has been classified as a Variant of Uncertain Significance.

PreventionGenetics, part of Exact Sciences
Classification: Uncertain significance for ERBB4-related condition. Last evaluated: 2024-07-16. Review status: no assertion criteria provided. Collection method: clinical testing. Allele origin: germline. Not counted in ClinVar's aggregate classification.
Comment: The ERBB4 c.1835G>A variant is predicted to result in the amino acid substitution p.Arg612Gln. To our knowledge, this variant has not been reported in the literature. This variant is reported in 0.024% of alleles in individuals of African descent in gnomAD, which may be too common to be an undocumented primary cause of disease. Although we suspect that this variant may be benign, at this time, the clinical significance of this variant is uncertain due to the absence of conclusive functional and genetic evidence.

NM_005235.3(ERBB4):c.1835G>A (p.Arg612Gln)

Gene: ERBB4 (erb-b2 receptor tyrosine kinase 4; minus strand). Cytogenetic location: 2q34.
Variant type: single nucleotide variant.
Coding change: c.1835G>A on transcript NM_005235.3 (MANE Select); coding-DNA position 1835, G replaced by A.
Protein change: p.Arg612Gln; replaces arginine 612 with glutamine.
Molecular consequence: missense variant.
Genome position (GRCh38, 1-based): chr2:211,665,359, C>T on the plus strand (G>A on the coding strand, the complement: ERBB4 is on the minus strand). VCF-style: chr2-211665359-C-T. GRCh37 (hg19) VCF-style: chr2-212530084-C-T.
Other names: c.1835G>A, p.Arg612Gln (NM_001042599.2); short protein forms R612Q.
Identifiers: ClinVar variation 1991743 (VCV001991743.5), dbSNP rs139122290, ClinGen allele CA2088004.
Genomic context (GRCh38, chr2:211,665,359, plus strand): 5'-CCCTTGGCCAGCAAGAATGCTTACCCTTGGGTGCAGTTTGGATGGCATGGGTGGCACTCC[C>T]GATCTGGATCAGCATACTTGAAAATGAAACTGTTTGCCCCCTGTAAGCCATCTGGACATT-3'
Protein context (NP_005226.1, residues 602-622): SFIFKYADPD[Arg612Gln]ECHPCHPNCT